The following is an entry in ClinVar:

NM_001276345.2(TNNT2):c.337C>G (p.Gln113Glu)

Gene: TNNT2 (troponin T2, cardiac type; minus strand). Cytogenetic location: 1q32.1.
Variant type: single nucleotide variant.
Coding change: c.337C>G on transcript NM_001276345.2 (MANE Select); coding-DNA position 337, C replaced by G.
Protein change: p.Gln113Glu; replaces glutamine 113 with glutamic acid.
Molecular consequence: missense variant. On other transcripts: intron variant (1).
Genome position (GRCh38, 1-based): chr1:201,365,265, G>C on the plus strand (C>G on the coding strand, the complement: TNNT2 is on the minus strand). VCF-style: chr1-201365265-G-C. GRCh37 (hg19) VCF-style: chr1-201334393-G-C.
Other names: c.337C>G, p.Gln113Glu (NM_000364.4); c.307C>G, p.Gln103Glu (NM_001001430.3, NM_001001431.3, NM_001276347.2); c.292C>G, p.Gln98Glu (NM_001001432.3); c.291+345C>G (NM_001276346.2); short protein forms Q113E, Q103E, Q98E.
Identifiers: ClinVar variation 1466530 (VCV001466530.6), dbSNP rs2102261570, ClinGen allele CA344206447.

ClinVar aggregate classification (germline): Uncertain significance (1 of 4 stars; one submission).

Conditions:
Dilated cardiomyopathy 1D. Identifiers: Orphanet 154, Orphanet 54260, MedGen C1832243, MONDO:0011095, OMIM 601494.
Cardiomyopathy, familial restrictive, 3. Identifiers: Orphanet 75249, MedGen C2676271, MONDO:0012900, OMIM 612422.
Hypertrophic cardiomyopathy 2. Also called: TNNT2-Related Familial Hypertrophic Cardiomyopathy. Identifiers: MedGen C1861864, MONDO:0007266, OMIM 115195.

Allele frequency attached by ClinVar (database versions not stated): gnomAD exomes below 0.00001.
gnomAD v4.1: 2 of 1,614,200 alleles (0.00012%); highest among the groups gnomAD compares: Non-Finnish European, 0.00017%; no homozygotes.

Submission:

Labcorp Genetics (formerly Invitae), Labcorp
Classification: Uncertain significance for Cardiomyopathy, familial restrictive, 3; Hypertrophic cardiomyopathy 2; Dilated cardiomyopathy 1D. Last evaluated: 2021-11-06. Review status: criteria provided, single submitter. Criteria: Invitae Variant Classification Sherloc (09022015). Collection method: clinical testing. Allele origin: germline.
Comment: This variant is not present in population databases (gnomAD no frequency). This sequence change replaces glutamine, which is neutral and polar, with glutamic acid, which is acidic and polar, at codon 103 of the TNNT2 protein (p.Gln103Glu). This variant has not been reported in the literature in individuals affected with TNNT2-related conditions. In summary, the available evidence is currently insufficient to determine the role of this variant in disease. Therefore, it has been classified as a Variant of Uncertain Significance. Algorithms developed to predict the effect of missense changes on protein structure and function are either unavailable or do not agree on the potential impact of this missense change (SIFT: "Deleterious"; PolyPhen-2: "Probably Damaging"; Align-GVGD: "Class C0").